The following is an entry in ClinVar:

NM_002878.4(RAD51D):c.381C>G (p.Gly127=)

Genes: RAD51L3-RFFL (RAD51L3-RFFL readthrough; minus strand), RAD51D (RAD51 paralog D; minus strand). Cytogenetic location: 17q12.
Variant type: single nucleotide variant.
Coding change: c.381C>G on transcript NM_002878.4 (MANE Select); coding-DNA position 381, C replaced by G.
Protein change: p.Gly127=; no amino-acid change (glycine 127 retained).
Molecular consequence: synonymous variant. On other transcripts: non-coding transcript variant (1), intron variant (1).
Genome position (GRCh38, 1-based): chr17:35,107,087, G>C on the plus strand (C>G on the coding strand, the complement: RAD51D is on the minus strand). VCF-style: chr17-35107087-G-C. GRCh37 (hg19) VCF-style: chr17-33434106-G-C.
Other names: c.441C>G, p.Gly147= (NM_001142571.2); c.145-606C>G (NM_133629.3).
Identifiers: ClinVar variation 492429 (VCV000492429.4), dbSNP rs1555568350, ClinGen allele CA499731735.

ClinVar aggregate classification (germline): Benign/Likely benign. Review status: criteria provided, multiple submitters, no conflicts (2 of 4 stars). 2 submissions from 2 submitters: Benign (1); Likely benign (1). Last evaluated 2025-02-21.

Conditions:
Hereditary cancer-predisposing syndrome. Also called: Hereditary neoplastic syndrome; Tumor predisposition; Hereditary Cancer Syndrome; Neoplastic Syndromes, Hereditary. Identifiers: Orphanet 140162, MedGen C0027672, MeSH D009386, MONDO:0015356.
Breast-ovarian cancer, familial, susceptibility to, 4. Identifiers: Orphanet 145, MedGen C3280345, MONDO:0013669, OMIM 614291.

Submissions (2):

Myriad Genetics, Inc.
Classification: Benign for Breast-ovarian cancer, familial, susceptibility to, 4. Last evaluated: 2025-02-21. Review status: criteria provided, single submitter. Criteria: Myriad Autosomal Dominant, Autosomal Recessive and X-Linked Classification Criteria (2023). Collection method: clinical testing. Allele origin: unknown.
Comment: This variant is considered benign. This variant is a silent/synonymous amino acid change and it is not expected to impact splicing.

Color Diagnostics, LLC DBA Color Health
Classification: Likely benign for Hereditary cancer-predisposing syndrome. Last evaluated: 2016-12-06. Review status: criteria provided, single submitter. Criteria: ACMG Guidelines, 2015. Collection method: clinical testing. Allele origin: germline.